The following is an entry in ClinVar:

ClinVar aggregate classification (germline): Uncertain significance (1 of 4 stars; one submission).

Allele frequency attached by ClinVar (database versions not stated): gnomAD 0.00001; TOPMed 0.00001.

Submission:

Labcorp Genetics (formerly Invitae), Labcorp
Classification: Uncertain significance. Last evaluated: 2022-12-06. Review status: criteria provided, single submitter. Criteria: Invitae Variant Classification Sherloc (09022015). Collection method: clinical testing. Allele origin: germline.
Comment: This variant has not been reported in the literature in individuals affected with ADGRB2-related conditions. This sequence change replaces proline, which is neutral and non-polar, with leucine, which is neutral and non-polar, at codon 310 of the ADGRB2 protein (p.Pro310Leu). This variant is present in population databases (no rsID available, gnomAD 0.01%). Algorithms developed to predict the effect of missense changes on protein structure and function are either unavailable or do not agree on the potential impact of this missense change (SIFT: "Deleterious"; PolyPhen-2: "Not Available"; Align-GVGD: "Class C0"). In summary, the available evidence is currently insufficient to determine the role of this variant in disease. Therefore, it has been classified as a Variant of Uncertain Significance.

NM_001364857.2(ADGRB2):c.929C>T (p.Pro310Leu)

Gene: ADGRB2 (adhesion G protein-coupled receptor B2; minus strand). Cytogenetic location: 1p35.2.
Variant type: single nucleotide variant.
Coding change: c.929C>T on transcript NM_001364857.2 (MANE Select); coding-DNA position 929, C replaced by T.
Protein change: p.Pro310Leu; replaces proline 310 with leucine.
Molecular consequence: missense variant.
Genome position (GRCh38, 1-based): chr1:31,744,351, G>A on the plus strand (C>T on the coding strand, the complement: ADGRB2 is on the minus strand). VCF-style: chr1-31744351-G-A. GRCh37 (hg19) VCF-style: chr1-32209952-G-A.
Other names: c.929C>T, p.Pro310Leu (NM_001294335.2, NM_001294336.2, NM_001703.2); short protein forms P310L.
Identifiers: ClinVar variation 2082664 (VCV002082664.4), dbSNP rs949320588, ClinGen allele CA20176148.
Genomic context (GRCh38, chr1:31,744,351, plus strand): 5'-TGCAGACCCTGCCCACACGTCAGGGAACACACGCTCCACGGGGACCACTCCTCAGCCGCC[G>A]GGTCGCCTACGAGAGAGGGACAGCGTCGGCGGCAGGGGGCACCTCCCAAGCACTCAGTCT-3'
Protein context (NP_001351786.1, residues 300-320): PGLYMAQTGD[Pro310Leu]AAEEWSPWSV